The following is an entry in ClinVar:

NM_016203.4(PRKAG2):c.429G>A (p.Ser143=)

Gene: PRKAG2 (protein kinase AMP-activated non-catalytic subunit gamma 2; minus strand). Cytogenetic location: 7q36.1.
Variant type: single nucleotide variant.
Coding change: c.429G>A on transcript NM_016203.4 (MANE Select); coding-DNA position 429, G replaced by A.
Protein change: p.Ser143=; no amino-acid change (serine 143 retained).
Molecular consequence: synonymous variant.
Genome position (GRCh38, 1-based): chr7:151,781,189, C>T on the plus strand (G>A on the coding strand, the complement: PRKAG2 is on the minus strand). VCF-style: chr7-151781189-C-T. GRCh37 (hg19) VCF-style: chr7-151478275-C-T.
Other names: c.297G>A, p.Ser99= (NM_001040633.2).
Identifiers: ClinVar variation 359346 (VCV000359346.25), dbSNP rs757727533, ClinGen allele CA057047.
Genomic context (GRCh38, chr7:151,781,189, plus strand): 5'-AAACAATAGCATCAAGGTCTTACTTTTTCTGGAGCGGGAGAAAAACCTGATGCCCCCGGG[C>T]GAGGTAGCAGGGTTGGAGTTGGGGGAAGACTCTTTGGAGGAGGAGCGGAAGATCCCACTG-3'
Protein context (NP_057287.2, residues 133-153): ESSPNSNPAT[Ser143=]PGGIRFFSRS

ClinVar aggregate classification (germline): Conflicting classifications of pathogenicity. Review status: criteria provided, conflicting classifications (1 of 4 stars). 9 submissions from 8 submitters: Uncertain significance (2); Benign (1); Likely benign (6). Last evaluated 2026-01-11.

Conditions:
Cardiovascular phenotype. Identifiers: MedGen CN230736.
Hypertrophic cardiomyopathy. Also called: HYPERTROPHIC MYOCARDIOPATHY. Identifiers: Orphanet 217569, MedGen C0007194, MeSH D002312, MONDO:0005045, HP:0001639.
Cardiomyopathy (CMYO). Also called: Cardiomyopathies. Identifiers: Orphanet 167848, MedGen C0878544, MONDO:0004994, HP:0001638. Inheritance: Various modes of inheritance.
Hypertrophic cardiomyopathy 6. Identifiers: MedGen C1833236, MONDO:0010946, OMIM 600858.
Lethal congenital glycogen storage disease of heart. Also called: GLYCOGEN STORAGE DISEASE OF HEART; PHOSPHORYLASE KINASE DEFICIENCY OF HEART. Identifiers: Orphanet 439854, MedGen C1849813, MONDO:0009867, OMIM 261740.
Wolff-Parkinson-White pattern. Also called: WPW SYNDROME; Auriculoventricular accessory pathway syndrome; False bundle branch block syndrome; Anomalous ventricular excitation syndrome. Identifiers: MedGen C0043202, MONDO:0008685, OMIM 194200, HP:0001716.

Allele frequency attached by ClinVar (database versions not stated): gnomAD exomes 0.00006; TOPMed 0.00006; ExAC 0.00008; gnomAD 0.00008.
gnomAD v4.1: 49 of 1,613,904 alleles (0.003%); highest among the groups gnomAD compares: East Asian, 0.045%; no homozygotes.

Submissions (9):

Labcorp Genetics (formerly Invitae), Labcorp
Classification: Likely benign for Lethal congenital glycogen storage disease of heart. Last evaluated: 2026-01-11. Review status: criteria provided, single submitter. Criteria: Invitae Variant Classification Sherloc (09022015). Collection method: clinical testing. Allele origin: germline.

Blueprint Genetics
Classification: Likely benign. Last evaluated: 2024-08-23. Review status: criteria provided, single submitter. Criteria: ACMG Guidelines, 2015. Collection method: clinical testing. Allele origin: germline.

All of Us Research Program, National Institutes of Health
Classification: Likely benign for Hypertrophic cardiomyopathy. Last evaluated: 2023-12-01. Review status: criteria provided, single submitter. Criteria: ACMG Guidelines, 2015. Collection method: clinical testing. Allele origin: germline. Inheritance: Autosomal dominant inheritance. Observed: 5 variant alleles, 5 heterozygotes.
Comment: This study involves interpretation of variants in research participants for the purpose of population health screening. Participant phenotype was not available at the time of variant classification. Additional details can be found in publication PMID: 35346344, PMCID: PMC8962531

Women's Health and Genetics/Laboratory Corporation of America, LabCorp
Classification: Benign. Last evaluated: 2023-07-29. Review status: criteria provided, single submitter. Criteria: LabCorp Variant Classification Summary - May 2015. Collection method: clinical testing. Allele origin: germline.

GeneDx
Classification: Likely benign. Last evaluated: 2021-03-23. Review status: criteria provided, single submitter. Criteria: GeneDx Variant Classification Process June 2021. Collection method: clinical testing. Allele origin: germline. Affected: yes.

Ambry Genetics
Classification: Likely benign for Cardiovascular phenotype. Last evaluated: 2019-07-22. Review status: criteria provided, single submitter. Criteria: Ambry Variant Classification Scheme 2023. Collection method: clinical testing. Allele origin: germline.

Color Diagnostics, LLC DBA Color Health
Classification: Likely benign for Cardiomyopathy. Last evaluated: 2018-11-22. Review status: criteria provided, single submitter. Criteria: ACMG Guidelines, 2015. Collection method: clinical testing. Allele origin: germline.

Illumina Laboratory Services, Illumina
Classification: Uncertain significance for Hypertrophic cardiomyopathy 6. Last evaluated: 2018-01-13. Review status: criteria provided, single submitter. Criteria: ICSL Variant Classification Criteria 13 December 2019. Collection method: clinical testing. Allele origin: germline.

Illumina Laboratory Services, Illumina
Classification: Uncertain significance for Wolff-Parkinson-White pattern. Last evaluated: 2018-01-13. Review status: criteria provided, single submitter. Criteria: ICSL Variant Classification Criteria 13 December 2019. Collection method: clinical testing. Allele origin: germline.